The following is an entry in ClinVar:

ClinVar aggregate classification (germline): Benign. Review status: criteria provided, multiple submitters, no conflicts (2 of 4 stars). 3 submissions from 3 submitters: Benign (3). Last evaluated 2020-03-13.

Allele frequency attached by ClinVar (database versions not stated): ESP Exome Variant Server 0.22700; 1000 Genomes Project 0.25120; TOPMed 0.27553; gnomAD 0.27741 and 0.27865.
gnomAD v4.1: 434,389 of 1,504,184 alleles (29%); highest among the groups gnomAD compares: Non-Finnish European, 30%; 63,006 homozygotes.

Submissions (3):

Blueprint Genetics
Classification: Benign. Last evaluated: 2020-03-13. Review status: criteria provided, single submitter. Criteria: ACMG Guidelines, 2015. Collection method: clinical testing. Allele origin: germline.

GeneDx
Classification: Benign. Last evaluated: 2016-09-23. Review status: criteria provided, single submitter. Criteria: GeneDx Variant Classification (06012015). Collection method: clinical testing. Allele origin: germline. Affected: yes.
Comment: This variant is considered likely benign or benign based on one or more of the following criteria: it is a conservative change, it occurs at a poorly conserved position in the protein, it is predicted to be benign by multiple in silico algorithms, and/or has population frequency not consistent with disease.

Breakthrough Genomics
Classification: Benign. Review status: criteria provided, single submitter. Criteria: ACMG Guidelines, 2015. Collection method: not provided. Allele origin: germline. Inheritance: Autosomal recessive inheritance. Affected: yes.

NM_001378454.1(ALMS1):c.324+21G>A

Gene: ALMS1 (ALMS1 centrosome and basal body associated protein; plus strand). Cytogenetic location: 2p13.1.
Variant type: single nucleotide variant.
Coding change: c.324+21G>A on transcript NM_001378454.1 (MANE Select); 21 bases into the intron after coding-DNA position 324, G replaced by A.
Molecular consequence: intron variant.
Genome position (GRCh38, 1-based): chr2:73,386,213, G>A. VCF-style: chr2-73386213-G-A. GRCh37 (hg19) VCF-style: chr2-73613341-G-A.
Other names: c.327+21G>A (NM_015120.4); c.324+21G>A (NM_015120.4).
Identifiers: ClinVar variation 383755 (VCV000383755.3), dbSNP rs11126399, ClinGen allele CA1712796.